The following is an entry in ClinVar:

NM_014991.6(WDFY3):c.10016G>A (p.Ser3339Asn)

Gene: WDFY3 (WD repeat and FYVE domain containing 3; minus strand). Cytogenetic location: 4q21.23.
Variant type: single nucleotide variant.
Coding change: c.10016G>A on transcript NM_014991.6 (MANE Select); coding-DNA position 10016, G replaced by A.
Protein change: p.Ser3339Asn; replaces serine 3339 with asparagine.
Molecular consequence: missense variant.
Genome position (GRCh38, 1-based): chr4:84,679,050, C>T on the plus strand (G>A on the coding strand, the complement: WDFY3 is on the minus strand). VCF-style: chr4-84679050-C-T. GRCh37 (hg19) VCF-style: chr4-85600203-C-T.
Other names: short protein forms S3339N.
Identifiers: ClinVar variation 2662729 (VCV002662729.1), dbSNP rs1726859154, ClinGen allele CA357266363.

ClinVar aggregate classification (germline): Uncertain significance (1 of 4 stars; one submission).

Submission:

GeneDx
Classification: Uncertain significance. Last evaluated: 2023-04-26. Review status: criteria provided, single submitter. Criteria: GeneDx Variant Classification Process June 2021. Collection method: clinical testing. Allele origin: germline. Affected: yes.
Comment: Not observed at significant frequency in large population cohorts (gnomAD); In silico analysis supports that this missense variant does not alter protein structure/function; Has not been previously published as pathogenic or benign to our knowledge